The following is an entry in ClinVar:

ClinVar aggregate classification (germline): Uncertain significance. Review status: criteria provided, multiple submitters, no conflicts (2 of 4 stars). 3 submissions from 3 submitters: Uncertain significance (3). Last evaluated 2026-02-13.

Conditions:
NEFH-related disorder. Also called: NEFH-related condition.

Submissions (3):

PreventionGenetics, part of Exact Sciences
Classification: Uncertain significance for NEFH-related condition. Last evaluated: 2026-02-13. Review status: criteria provided, single submitter. Criteria: ACMG Guidelines, 2015. Collection method: clinical testing. Allele origin: germline.
Comment: The NEFH c.41dupC variant is predicted to result in a frameshift and premature protein termination (p.Phe15Valfs*83). To our knowledge, this variant has not been reported in the literature or in a large population database (gnomAD), indicating this variant is rare. This frameshift variant is located in exon 1 of 4 and, to our knowledge, nearly all frameshift variants in NEFH have been reported in the terminal exon resulting in protein elongation (Rebelo et al. 2016. PubMed ID: 27040688). At this time, the clinical significance of this variant is uncertain due to the absence of conclusive functional and genetic evidence.

Labcorp Genetics (formerly Invitae), Labcorp
Classification: Uncertain significance. Last evaluated: 2025-12-03. Review status: criteria provided, single submitter. Criteria: Invitae Variant Classification Sherloc (09022015). Collection method: clinical testing. Allele origin: germline.
Comment: This sequence change creates a premature translational stop signal (p.Phe15Valfs*83) in the NEFH gene. It is expected to result in an absent or disrupted protein product. However, the current clinical and genetic evidence is not sufficient to establish whether loss-of-function variants in NEFH cause disease. This variant is not present in population databases (gnomAD no frequency). This variant has not been reported in the literature in individuals affected with NEFH-related conditions. ClinVar contains an entry for this variant (Variation ID: 1878329). In summary, the available evidence is currently insufficient to determine the role of this variant in disease. Therefore, it has been classified as a Variant of Uncertain Significance.

Women's Health and Genetics/Laboratory Corporation of America, LabCorp
Classification: Uncertain significance. Last evaluated: 2025-06-26. Review status: criteria provided, single submitter. Criteria: LabCorp Variant Classification Summary - May 2015. Collection method: clinical testing. Allele origin: germline.
Comment: Variant summary: NEFH c.41dupC (p.Phe15ValfsX83) results in a premature termination codon, predicted to cause a truncation of the encoded protein or absence of the protein due to nonsense mediated decay, however current evidence is not sufficient to establish loss of function as a mechanism for disease. The variant was absent in 96690 control chromosomes. The available data on variant occurrences in the general population are insufficient to allow any conclusion about variant significance. To our knowledge, no occurrence of c.41dupC in individuals affected with Charcot-Marie-Tooth disease axonal type 2CC and no experimental evidence demonstrating its impact on protein function have been reported. ClinVar contains an entry for this variant (Variation ID: 1878329). Based on the evidence outlined above, the variant was classified as uncertain significance.

NM_021076.4(NEFH):c.41dup (p.Phe15fs)

Gene: NEFH (neurofilament heavy chain; plus strand). Cytogenetic location: 22q12.2.
Variant type: Duplication.
Coding change: c.41dup on transcript NM_021076.4 (MANE Select); coding-DNA position 41, one base duplicated (C; older notation c.41dupC).
Protein change: p.Phe15fs; shifts the reading frame from phenylalanine 15.
Molecular consequence: frameshift variant.
Genome position (GRCh38, 1-based): chr22:29,480,303, C duplicated; the last of 4 consecutive C bases (chr22:29,480,300-29,480,303); duplicating any one gives the same sequence. VCF-style (leftmost placement, unchanged base first): chr22-29480299-G-GC. GRCh37 (hg19) VCF-style: chr22-29876288-G-GC.
Other names: c.41dupC (NM_021076.4); short protein forms F15fs.
Identifiers: ClinVar variation 1878329 (VCV001878329.8), dbSNP rs1279396196, ClinGen allele CA752281140.